The following is an entry in ClinVar:

NM_000138.5(FBN1):c.8564G>T (p.Ser2855Ile)

Gene: FBN1 (fibrillin 1; minus strand). Cytogenetic location: 15q21.1.
Variant type: single nucleotide variant.
Coding change: c.8564G>T on transcript NM_000138.5 (MANE Select); coding-DNA position 8564, G replaced by T.
Protein change: p.Ser2855Ile; replaces serine 2855 with isoleucine.
Molecular consequence: missense variant.
Genome position (GRCh38, 1-based): chr15:48,411,042, C>A on the plus strand (G>T on the coding strand, the complement: FBN1 is on the minus strand). VCF-style: chr15-48411042-C-A. GRCh37 (hg19) VCF-style: chr15-48703239-C-A.
Other names: c.8564G>T, p.Ser2855Ile (NM_001406716.1); short protein forms S2855I.
Identifiers: ClinVar variation 3075047 (VCV003075047.1), dbSNP rs762079635, ClinGen allele CA392318497.

ClinVar aggregate classification (germline): Uncertain significance (1 of 4 stars; one submission).

Conditions:
Marfan syndrome (MFS). Also called: MARFAN SYNDROME, TYPE I; Marfan syndrome type 1; Marfan's syndrome; Marfan syndrome, classic; FBN1-Related Marfan Syndrome. Identifiers: Orphanet 284963, Orphanet 558, MedGen C0024796, MONDO:0007947, OMIM 154700.

Submission:

All of Us Research Program, National Institutes of Health
Classification: Uncertain significance for Marfan syndrome. Last evaluated: 2023-12-18. Review status: criteria provided, single submitter. Criteria: ACMG Guidelines, 2015. Collection method: clinical testing. Allele origin: germline. Inheritance: Autosomal dominant inheritance. Observed: 1 variant allele, 1 heterozygote.
Comment: This missense variant replaces serine with isoleucine at codon 2855 of the FBN1 protein. Computational prediction suggests that this variant may not impact protein structure and function (internally defined REVEL score threshold <= 0.5, PMID: 27666373). To our knowledge, functional studies have not been reported for this variant. This variant has not been reported in individuals affected with FBN1-related disorders in the literature. This variant has not been identified in the general population by the Genome Aggregation Database (gnomAD). The available evidence is insufficient to determine the role of this variant in disease conclusively. Therefore, this variant is classified as a Variant of Uncertain Significance.

This study involves interpretation of variants in research participants for the purpose of population health screening. Participant phenotype was not available at the time of variant classification. Additional details can be found in publication PMID: 35346344, PMCID: PMC8962531